The following is an entry in ClinVar:

ClinVar aggregate classification (germline): Likely pathogenic (1 of 4 stars; one submission).

Conditions:
ABCB4-related disorder. Also called: ABCB4-related disorders; ABCB4-related condition.

Submission:

PreventionGenetics, part of Exact Sciences
Classification: Likely pathogenic for ABCB4-related condition. Last evaluated: 2026-02-25. Review status: criteria provided, single submitter. Criteria: ACMG Guidelines, 2015. Collection method: clinical testing. Allele origin: germline.
Comment: The ABCB4 c.2476G>T variant is predicted to result in premature protein termination (p.Gly826*). To our knowledge, this variant has not been reported in the literature or in a large population database (gnomAD), indicating this variant is rare. Nonsense variants in ABCB4 are expected to be pathogenic. This variant is interpreted as likely pathogenic.

NM_000443.4(ABCB4):c.2476G>T (p.Gly826Ter)

Gene: ABCB4 (ATP binding cassette subfamily B member 4; minus strand). Cytogenetic location: 7q21.12.
Variant type: single nucleotide variant.
Coding change: c.2476G>T on transcript NM_000443.4 (MANE Select); coding-DNA position 2476, G replaced by T.
Protein change: p.Gly826Ter; replaces glycine 826 with a stop codon.
Molecular consequence: nonsense.
Genome position (GRCh38, 1-based): chr7:87,418,539, C>A on the plus strand (G>T on the coding strand, the complement: ABCB4 is on the minus strand). VCF-style: chr7-87418539-C-A. GRCh37 (hg19) VCF-style: chr7-87047855-C-A.
Other names: c.2476G>T, p.Gly826Ter (NM_018849.3, NM_018850.3); short protein forms G826*.
Identifiers: ClinVar variation 4985488 (VCV004985488.1).